The following is an entry in ClinVar:

ClinVar aggregate classification (germline): Uncertain significance (1 of 4 stars; one submission).

Allele frequency attached by ClinVar (database versions not stated): gnomAD 0.00001; ESP Exome Variant Server 0.00008.
gnomAD v4.1: 3 of 1,552,614 alleles (0.00019%); highest among the groups gnomAD compares: African/African-American, 0.0027%; no homozygotes.

Submission:

GeneDx
Classification: Uncertain significance. Last evaluated: 2024-09-27. Review status: criteria provided, single submitter. Criteria: GeneDx Variant Classification Process June 2021. Collection method: clinical testing. Allele origin: germline. Affected: yes.
Comment: Not observed at significant frequency in large population cohorts (gnomAD); In silico analysis supports that this missense variant has a deleterious effect on protein structure/function; Has not been previously published as pathogenic or benign to our knowledge

NM_001039141.3(TRIOBP):c.5945G>T (p.Arg1982Leu)

Gene: TRIOBP (TRIO and F-actin binding protein; plus strand). Cytogenetic location: 22q13.1.
Variant type: single nucleotide variant.
Coding change: c.5945G>T on transcript NM_001039141.3 (MANE Select); coding-DNA position 5945, G replaced by T.
Protein change: p.Arg1982Leu; replaces arginine 1982 with leucine.
Molecular consequence: missense variant.
Genome position (GRCh38, 1-based): chr22:37,757,870, G>T. VCF-style: chr22-37757870-G-T. GRCh37 (hg19) VCF-style: chr22-38153877-G-T.
Other names: c.806G>T, p.Arg269Leu (NM_007032.5, NM_138632.2); short protein forms R1982L, R269L.
Identifiers: ClinVar variation 1339598 (VCV001339598.3), dbSNP rs375192209, ClinGen allele CA10224855.